The following is an entry in ClinVar:

ClinVar aggregate classification (germline): Uncertain significance (1 of 4 stars; one submission).

Conditions:
Achondrogenesis, type IA (ACG1A). Identifiers: Orphanet 932, Orphanet 93299, MedGen C0265273, MONDO:0008701, OMIM 200600.

gnomAD v4.1: 23 of 1,612,984 alleles (0.0014%); highest among the groups gnomAD compares: Non-Finnish European, 0.0019%; no homozygotes.

Submission:

Labcorp Genetics (formerly Invitae), Labcorp
Classification: Uncertain significance for Achondrogenesis, type IA. Last evaluated: 2022-08-01. Review status: criteria provided, single submitter. Criteria: Invitae Variant Classification Sherloc (09022015). Collection method: clinical testing. Allele origin: germline.
Comment: This variant has not been reported in the literature in individuals affected with TRIP11-related conditions. This variant is present in population databases (no rsID available, gnomAD 0.0009%). This sequence change replaces serine, which is neutral and polar, with threonine, which is neutral and polar, at codon 527 of the TRIP11 protein (p.Ser527Thr). Algorithms developed to predict the effect of missense changes on protein structure and function are either unavailable or do not agree on the potential impact of this missense change (SIFT: "Not Available"; PolyPhen-2: "Benign"; Align-GVGD: "Not Available"). In summary, the available evidence is currently insufficient to determine the role of this variant in disease. Therefore, it has been classified as a Variant of Uncertain Significance.

NM_004239.4(TRIP11):c.1580G>C (p.Ser527Thr)

Gene: TRIP11 (thyroid hormone receptor interactor 11; minus strand). Cytogenetic location: 14q32.12.
Variant type: single nucleotide variant.
Coding change: c.1580G>C on transcript NM_004239.4 (MANE Select); coding-DNA position 1580, G replaced by C.
Protein change: p.Ser527Thr; replaces serine 527 with threonine.
Molecular consequence: missense variant.
Genome position (GRCh38, 1-based): chr14:92,006,396, C>G on the plus strand (G>C on the coding strand, the complement: TRIP11 is on the minus strand). VCF-style: chr14-92006396-C-G. GRCh37 (hg19) VCF-style: chr14-92472740-C-G.
Other names: c.1577G>C, p.Ser526Thr (NM_001321851.1); short protein forms S526T, S527T.
Identifiers: ClinVar variation 1928476 (VCV001928476.4), dbSNP rs764357693, ClinGen allele CA390660620.